The following is an entry in ClinVar:

NM_000234.3(LIG1):c.2535G>T (p.Lys845Asn)

Gene: LIG1 (DNA ligase 1; minus strand). Cytogenetic location: 19q13.33.
Variant type: single nucleotide variant.
Coding change: c.2535G>T on transcript NM_000234.3 (MANE Select); coding-DNA position 2535, G replaced by T.
Protein change: p.Lys845Asn; replaces lysine 845 with asparagine.
Molecular consequence: missense variant. On other transcripts: non-coding transcript variant (6).
Genome position (GRCh38, 1-based): chr19:48,117,686, C>A on the plus strand (G>T on the coding strand, the complement: LIG1 is on the minus strand). VCF-style: chr19-48117686-C-A. GRCh37 (hg19) VCF-style: chr19-48620943-C-A.
Other names: c.2442G>T, p.Lys814Asn (NM_001289063.2); c.2331G>T, p.Lys777Asn (NM_001289064.2); c.2532G>T, p.Lys844Asn (NM_001320970.2); c.2445G>T, p.Lys815Asn (NM_001320971.2); c.2535G>T (NM_000234.2); short protein forms K815N, K777N, K814N, K844N, K845N.
Identifiers: ClinVar variation 1369861 (VCV001369861.8), dbSNP rs145821638, ClinGen allele CA9546376.
Genomic context (GRCh38, chr19:48,117,686, plus strand): 5'-TCTGCCACTCACCAGGCCCCGCGCAGCAGGGTAGATGGGAGAGAGGGAGAGGTCAGCGCA[C>A]TTCACCTCCCACACAGCGCTGGGGTCCAGCCAGTGGTCGGGAATCACAGCGCCATCTATC-3'
Protein context (NP_000225.1, residues 835-855): WLDPSAVWEV[Lys845Asn]CADLSLSPIY

ClinVar aggregate classification (germline): Uncertain significance. Review status: criteria provided, multiple submitters, no conflicts (2 of 4 stars). 4 submissions from 4 submitters: Uncertain significance (3). 1 of the submissions does not count toward it. Last evaluated 2024-11-27.

Conditions:
DNA Ligase I Deficiency. Identifiers: MedGen C4016019.
LIG1-related disorder. Also called: LIG1-related condition.

Allele frequency attached by ClinVar (database versions not stated): ExAC 0.00090; ESP Exome Variant Server 0.00138.
gnomAD v4.1: 2,319 of 1,612,512 alleles (0.14%); highest among the groups gnomAD compares: Non-Finnish European, 0.18%; 4 homozygotes.

Submissions (4):

Blueprint Genetics
Classification: Uncertain significance. Last evaluated: 2024-11-27. Review status: criteria provided, single submitter. Criteria: ACMG Guidelines, 2015. Collection method: clinical testing. Allele origin: germline.

Labcorp Genetics (formerly Invitae), Labcorp
Classification: Uncertain significance. Last evaluated: 2022-10-24. Review status: criteria provided, single submitter. Criteria: Invitae Variant Classification Sherloc (09022015). Collection method: clinical testing. Allele origin: germline.
Comment: This sequence change replaces lysine, which is basic and polar, with asparagine, which is neutral and polar, at codon 845 of the LIG1 protein (p.Lys845Asn). This variant is present in population databases (rs145821638, gnomAD 0.2%), and has an allele count higher than expected for a pathogenic variant. This variant has not been reported in the literature in individuals affected with LIG1-related conditions. ClinVar contains an entry for this variant (Variation ID: 1369861). Algorithms developed to predict the effect of missense changes on protein structure and function are either unavailable or do not agree on the potential impact of this missense change (SIFT: "Deleterious"; PolyPhen-2: "Probably Damaging"; Align-GVGD: "Class C15"). In summary, the available evidence is currently insufficient to determine the role of this variant in disease. Therefore, it has been classified as a Variant of Uncertain Significance.

Breakthrough Genomics
Classification: Uncertain significance. Review status: criteria provided, single submitter. Criteria: ACMG Guidelines, 2015. Collection method: not provided. Allele origin: germline. Inheritance: Autosomal dominant inheritance. Affected: yes.

PreventionGenetics, part of Exact Sciences
Classification: Likely benign for LIG1-related condition. Last evaluated: 2022-09-12. Review status: no assertion criteria provided. Collection method: clinical testing. Allele origin: germline. Not counted in ClinVar's aggregate classification.
Comment: This variant is classified as likely benign based on ACMG/AMP sequence variant interpretation guidelines (Richards et al. 2015 PMID: 25741868, with internal and published modifications).